The following is an entry in ClinVar:

NM_001136193.2(FASTKD2):c.1395T>C (p.Ser465=)

Gene: FASTKD2 (FAST kinase domains 2; plus strand). Cytogenetic location: 2q33.3.
Variant type: single nucleotide variant.
Coding change: c.1395T>C on transcript NM_001136193.2 (MANE Select); coding-DNA position 1395, T replaced by C.
Protein change: p.Ser465=; no amino-acid change (serine 465 retained).
Molecular consequence: synonymous variant.
Genome position (GRCh38, 1-based): chr2:206,774,365, T>C. VCF-style: chr2-206774365-T-C. GRCh37 (hg19) VCF-style: chr2-207639089-T-C.
Other names: c.1395T>C, p.Ser465= (NM_001136194.2, NM_014929.4).
Identifiers: ClinVar variation 518062 (VCV000518062.1), dbSNP rs376370564, ClinGen allele CA2075136.

ClinVar aggregate classification (germline): Likely benign (1 of 4 stars; one submission).

Allele frequency attached by ClinVar (database versions not stated): gnomAD exomes below 0.00001; ExAC 0.00001; gnomAD 0.00001; TOPMed 0.00001; ESP Exome Variant Server 0.00008.
gnomAD v4.1: 6 of 1,603,810 alleles (0.00037%); highest among the groups gnomAD compares: Non-Finnish European, 0.00051%; no homozygotes.

Submission:

GeneDx
Classification: Likely benign. Last evaluated: 2017-06-26. Review status: criteria provided, single submitter. Criteria: GeneDx Variant Classification (06012015). Collection method: clinical testing. Allele origin: germline. Affected: yes.
Comment: This variant is considered likely benign or benign based on one or more of the following criteria: it is a conservative change, it occurs at a poorly conserved position in the protein, it is predicted to be benign by multiple in silico algorithms, and/or has population frequency not consistent with disease.